The following is an entry in ClinVar:

ClinVar aggregate classification (germline): Uncertain significance (1 of 4 stars; one submission).

Submission:

GeneDx
Classification: Uncertain significance. Last evaluated: 2022-02-18. Review status: criteria provided, single submitter. Criteria: GeneDx Variant Classification Process June 2021. Collection method: clinical testing. Allele origin: germline. Affected: yes.
Comment: Not observed at significant frequency in large population cohorts (gnomAD); In silico analysis supports that this missense variant has a deleterious effect on protein structure/function; Has not been previously published as pathogenic or benign to our knowledge.

NM_000810.4(GABRA5):c.394G>T (p.Asp132Tyr)

Gene: GABRA5 (gamma-aminobutyric acid type A receptor subunit alpha5; plus strand). Cytogenetic location: 15q12.
Variant type: single nucleotide variant.
Coding change: c.394G>T on transcript NM_000810.4 (MANE Select); coding-DNA position 394, G replaced by T.
Protein change: p.Asp132Tyr; replaces aspartic acid 132 with tyrosine.
Molecular consequence: missense variant.
Genome position (GRCh38, 1-based): chr15:26,883,454, G>T. VCF-style: chr15-26883454-G-T. GRCh37 (hg19) VCF-style: chr15-27128601-G-T.
Other names: c.394G>T, p.Asp132Tyr (NM_001165037.2); short protein forms D132Y.
Identifiers: ClinVar variation 1702743 (VCV001702743.2), dbSNP rs2140256124, ClinGen allele CA391464629.
Genomic context (GRCh38, chr15:26,883,454, plus strand): 5'-AAGGGGCCCATGCAGCGCCTCCCTCTCAACAACCTCCTTGCCAGCAAGATCTGGACCCCA[G>T]ACACGTTCTTCCACAACGGGAAGAAGTCCATCGCTCACAACATGACCACGCCCAACAAGC-3'
Protein context (NP_000801.1, residues 122-142): NLLASKIWTP[Asp132Tyr]TFFHNGKKSI